The following is an entry in ClinVar:

NR_160307.2(PRB1):n.788A>G

Gene: PRB1 (proline rich protein BstNI subfamily 1; minus strand). Cytogenetic location: 12p13.2.
Variant type: single nucleotide variant.
Molecular consequence: non-coding transcript variant (on NR_160307.2).
Genome position: GRCh38 VCF-style: chr12-11353353-T-C. GRCh37 (hg19) VCF-style: chr12-11506287-T-C.
Identifiers: ClinVar variation 3234175 (VCV003234175.20), dbSNP rs201593462, ClinGen allele CA6452883.

ClinVar aggregate classification (germline): Likely benign (1 of 4 stars; one submission).

Allele frequency attached by ClinVar (database versions not stated): ExAC 0.00001; gnomAD 0.00012.

Submission:

CeGaT Center for Human Genetics Tuebingen
Classification: Likely benign. Last evaluated: 2024-04-01. Review status: criteria provided, single submitter. Criteria: CeGaT Center For Human Genetics Tuebingen Variant Classification Criteria Version 2. Collection method: clinical testing. Allele origin: germline. Affected: yes. Observed: 1 variant allele.
Comment: PRB1: BP4, BP7